The following is an entry in ClinVar:

ClinVar aggregate classification (germline): Uncertain significance (1 of 4 stars; one submission).

Allele frequency attached by ClinVar (database versions not stated): ExAC 0.00001.
gnomAD v4.1: 1 of 1,613,644 alleles (0.000062%); highest among the groups gnomAD compares: South Asian, 0.0011%; no homozygotes.

Submission:

Mayo Clinic Laboratories, Mayo Clinic
Classification: Uncertain significance. Last evaluated: 2022-02-11. Review status: criteria provided, single submitter. Criteria: ACMG Guidelines, 2015. Collection method: clinical testing. Allele origin: germline. Observed: 3 variant alleles.
Comment: BP4, PM2

NM_001374736.1(DST):c.4456C>A (p.His1486Asn)

Gene: DST (dystonin; minus strand). Cytogenetic location: 6p12.1.
Variant type: single nucleotide variant.
Coding change: c.4456C>A on transcript NM_001374736.1 (MANE Select); coding-DNA position 4456, C replaced by A.
Protein change: p.His1486Asn; replaces histidine 1486 with asparagine.
Molecular consequence: missense variant.
Genome position (GRCh38, 1-based): chr6:56,629,269, G>T on the plus strand (C>A on the coding strand, the complement: DST is on the minus strand). VCF-style: chr6-56629269-G-T. GRCh37 (hg19) VCF-style: chr6-56494067-G-T.
Other names: p.His949Asn; c.4357C>A, p.His1453Asn (NM_001144769.5); c.3943C>A, p.His1315Asn (NM_001144770.2); c.4456C>A, p.His1486Asn (NM_001374722.1); c.3823C>A, p.His1275Asn (NM_001374729.1, NM_001374730.1, NM_001386100.1 and 1 more transcripts); c.4483C>A, p.His1495Asn (NM_001374734.1); c.2845C>A, p.His949Asn (NM_001723.7, NM_015548.5); short protein forms H1275N, H1315N, H1453N, H1486N, H1495N, H949N.
Identifiers: ClinVar variation 2682933 (VCV002682933.1), dbSNP rs769659675, ClinGen allele CA3870908.
Genomic context (GRCh38, chr6:56,629,269, plus strand): 5'-CATTAAATCTGTGCTAAAACTGAACAAAAAAGGATACTAACCTGTTGTCAATCTGCACAT[G>T]AACATTTTGCCACCTTTCAACTAATTGATCTGCTTTTTCTTTGTGCCAGTCAAAATCAAG-3'
Protein context (NP_001361665.1, residues 1476-1496): DQLVERWQNV[His1486Asn]VQIDNRLRDL